The following is an entry in ClinVar:

NM_014413.4(EIF2AK1):c.370A>G (p.Ile124Val)

Gene: EIF2AK1 (eukaryotic translation initiation factor 2 alpha kinase 1; minus strand). Cytogenetic location: 7p22.1.
Variant type: single nucleotide variant.
Coding change: c.370A>G on transcript NM_014413.4 (MANE Select); coding-DNA position 370, A replaced by G.
Protein change: p.Ile124Val; replaces isoleucine 124 with valine.
Molecular consequence: missense variant.
Genome position (GRCh38, 1-based): chr7:6,049,953, T>C on the plus strand (A>G on the coding strand, the complement: EIF2AK1 is on the minus strand). VCF-style: chr7-6049953-T-C. GRCh37 (hg19) VCF-style: chr7-6089584-T-C.
Other names: c.370A>G, p.Ile124Val (NM_001134335.2); short protein forms I124V.
Identifiers: ClinVar variation 2900417 (VCV002900417.3), dbSNP rs199693303, ClinGen allele CA4151258.
Genomic context (GRCh38, chr7:6,049,953, plus strand): 5'-TATATTTTTTAGGGCTTACCTGACGAACTCTCTCTTTAGCAGACCTCATTAAGTGAGTAA[T>C]AGCTCTGTTGTGATGTAGTCTCAATGAGCTAAACTCGTCACTACAAGTGAAAGAAGACAG-3'
Protein context (NP_055228.2, residues 114-134): SSLRLHHNRA[Ile124Val]THLMRSAKER

ClinVar aggregate classification (germline): Uncertain significance (1 of 4 stars; one submission).

Allele frequency attached by ClinVar (database versions not stated): gnomAD 0.00001; TOPMed 0.00001; ExAC 0.00003; gnomAD exomes 0.00004; ESP Exome Variant Server 0.00015; 1000 Genomes Project 0.00020; 1000 Genomes Project 30x 0.00031.
gnomAD v4.1: 54 of 1,613,134 alleles (0.0033%); highest among the groups gnomAD compares: Non-Finnish European, 0.0046%; no homozygotes.

Submission:

Labcorp Genetics (formerly Invitae), Labcorp
Classification: Uncertain significance. Last evaluated: 2023-04-03. Review status: criteria provided, single submitter. Criteria: Invitae Variant Classification Sherloc (09022015). Collection method: clinical testing. Allele origin: germline.
Comment: This sequence change replaces isoleucine, which is neutral and non-polar, with valine, which is neutral and non-polar, at codon 124 of the EIF2AK1 protein (p.Ile124Val). This variant is present in population databases (rs199693303, gnomAD 0.006%). This variant has not been reported in the literature in individuals affected with EIF2AK1-related conditions. An algorithm developed to predict the effect of missense changes on protein structure and function (PolyPhen-2) suggests that this variant is likely to be tolerated. In summary, the available evidence is currently insufficient to determine the role of this variant in disease. Therefore, it has been classified as a Variant of Uncertain Significance.